The following is an entry in ClinVar:

ClinVar aggregate classification (germline): Likely benign (1 of 4 stars; one submission).

Submission:

Mayo Clinic Laboratories, Mayo Clinic
Classification: Likely benign. Last evaluated: 2025-03-19. Review status: criteria provided, single submitter. Criteria: ACMG Guidelines, 2015. Collection method: clinical testing. Allele origin: germline. Observed: 1 variant allele.
Comment: BP4, BP7

NM_006158.5(NEFL):c.567G>A (p.Glu189=)

Gene: NEFL (neurofilament light chain; minus strand). Cytogenetic location: 8p21.2.
Variant type: single nucleotide variant.
Coding change: c.567G>A on transcript NM_006158.5 (MANE Select); coding-DNA position 567, G replaced by A.
Protein change: p.Glu189=; no amino-acid change (glutamic acid 189 retained).
Molecular consequence: synonymous variant.
Genome position (GRCh38, 1-based): chr8:24,955,949, C>T on the plus strand (G>A on the coding strand, the complement: NEFL is on the minus strand). VCF-style: chr8-24955949-C-T. GRCh37 (hg19) VCF-style: chr8-24813463-C-T.
Other names: p.Glu189=.
Identifiers: ClinVar variation 4683324 (VCV004683324.1).